The following is an entry in ClinVar:

NM_001127255.2(NLRP7):c.699A>G (p.Glu233=)

Gene: NLRP7 (NLR family pyrin domain containing 7; minus strand). Cytogenetic location: 19q13.42.
Variant type: single nucleotide variant.
Coding change: c.699A>G on transcript NM_001127255.2 (MANE Select); coding-DNA position 699, A replaced by G.
Protein change: p.Glu233=; no amino-acid change (glutamic acid 233 retained).
Molecular consequence: synonymous variant.
Genome position (GRCh38, 1-based): chr19:54,940,120, T>C on the plus strand (A>G on the coding strand, the complement: NLRP7 is on the minus strand). VCF-style: chr19-54940120-T-C. GRCh37 (hg19) VCF-style: chr19-55451488-T-C.
Other names: c.699A>G, p.Glu233= (NM_001405531.1, NM_139176.4, NM_206828.4).
Identifiers: ClinVar variation 3067416 (VCV003067416.21), dbSNP rs140452601, ClinGen allele CA310019280.

ClinVar aggregate classification (germline): Likely benign (1 of 4 stars; one submission).

Allele frequency attached by ClinVar (database versions not stated): gnomAD 0.00006; TOPMed 0.00006; ExAC 0.00009; gnomAD exomes 0.00012; ESP Exome Variant Server 0.00015.
gnomAD v4.1: 191 of 1,614,096 alleles (0.012%); highest among the groups gnomAD compares: Non-Finnish European, 0.015%; no homozygotes.

Submission:

CeGaT Center for Human Genetics Tuebingen
Classification: Likely benign. Last evaluated: 2024-03-01. Review status: criteria provided, single submitter. Criteria: CeGaT Center For Human Genetics Tuebingen Variant Classification Criteria Version 2. Collection method: clinical testing. Allele origin: germline. Affected: yes. Observed: 1 variant allele.
Comment: NLRP7: BP4, BP7